The following is an entry in ClinVar:

ClinVar aggregate classification (germline): Uncertain significance (1 of 4 stars; one submission).

Conditions:
Charcot-Marie-Tooth disease axonal type 2V. Also called: CHARCOT-MARIE-TOOTH NEUROPATHY, TYPE 2V; CHARCOT-MARIE-TOOTH DISEASE, AXONAL, AUTOSOMAL DOMINANT, TYPE 2V. Identifiers: Orphanet 447964, MedGen C5569050, MONDO:0014665, OMIM 616491.
Mucopolysaccharidosis, MPS-III-B (MPS3B). Also called: MPS IIIB (Sanfilippo Syndrome Type B); N-ACETYL-ALPHA-D-GLUCOSAMINIDASE DEFICIENCY; NAGLU DEFICIENCY; MUCOPOLYSACCHARIDOSIS, TYPE IIIB; Mucopolysaccharidosis type IIIB (Sanfilippo B); SANFILIPPO SYNDROME B. Identifiers: Orphanet 79270, MedGen C0086648, MONDO:0009656, OMIM 252920.

Submission:

Labcorp Genetics (formerly Invitae), Labcorp
Classification: Uncertain significance for Charcot-Marie-Tooth disease axonal type 2V; Mucopolysaccharidosis, MPS-III-B. Last evaluated: 2022-02-02. Review status: criteria provided, single submitter. Criteria: Invitae Variant Classification Sherloc (09022015). Collection method: clinical testing. Allele origin: germline.
Comment: Advanced modeling of protein sequence and biophysical properties (such as structural, functional, and spatial information, amino acid conservation, physicochemical variation, residue mobility, and thermodynamic stability) performed at Invitae indicates that this missense variant is expected to disrupt NAGLU protein function. This variant has not been reported in the literature in individuals affected with NAGLU-related conditions. This variant is not present in population databases (gnomAD no frequency). This sequence change replaces leucine, which is neutral and non-polar, with proline, which is neutral and non-polar, at codon 656 of the NAGLU protein (p.Leu656Pro). In summary, the available evidence is currently insufficient to determine the role of this variant in disease. Therefore, it has been classified as a Variant of Uncertain Significance.

NM_000263.4(NAGLU):c.1967T>C (p.Leu656Pro)

Gene: NAGLU (N-acetyl-alpha-glucosaminidase; plus strand). Cytogenetic location: 17q21.2.
Variant type: single nucleotide variant.
Coding change: c.1967T>C on transcript NM_000263.4 (MANE Select); coding-DNA position 1967, T replaced by C.
Protein change: p.Leu656Pro; replaces leucine 656 with proline.
Molecular consequence: missense variant.
Genome position (GRCh38, 1-based): chr17:42,543,973, T>C. VCF-style: chr17-42543973-T-C. GRCh37 (hg19) VCF-style: chr17-40695991-T-C.
Other names: short protein forms L656P.
Identifiers: ClinVar variation 1362154 (VCV001362154.6), dbSNP rs2092930000, ClinGen allele CA399605672.
Genomic context (GRCh38, chr17:42,543,973, plus strand): 5'-ATTTCTACGAGCAGAACAGCCGCTACCAGCTGACCTTGTGGGGGCCAGAAGGCAACATCC[T>C]GGACTATGCCAACAAGCAGCTGGCGGGGTTGGTGGCCAACTACTACACCCCTCGCTGGCG-3'
Protein context (NP_000254.2, residues 646-666): LTLWGPEGNI[Leu656Pro]DYANKQLAGL